The following is an entry in ClinVar:

ClinVar aggregate classification (germline): Conflicting classifications of pathogenicity. Review status: criteria provided, conflicting classifications (1 of 4 stars). 4 submissions from 4 submitters: Likely pathogenic (1); Uncertain significance (3). Last evaluated 2025-01-15.

Conditions:
Torsion dystonia 6 (DYT6). Also called: DYT-THAP1. Identifiers: Orphanet 98806, MedGen C1414216, MONDO:0011264, OMIM 602629.

Allele frequency attached by ClinVar (database versions not stated): gnomAD exomes 0.00002 and 0.00003; ExAC 0.00003; ESP Exome Variant Server 0.00008.

Submissions (4):

Labcorp Genetics (formerly Invitae), Labcorp
Classification: Likely pathogenic for Torsion dystonia 6. Last evaluated: 2025-01-15. Review status: criteria provided, single submitter. Criteria: Invitae Variant Classification Sherloc (09022015). Collection method: clinical testing. Allele origin: germline.
Comment: This sequence change replaces isoleucine, which is neutral and non-polar, with valine, which is neutral and non-polar, at codon 80 of the THAP1 protein (p.Ile80Val). This variant is present in population databases (rs372080941, gnomAD 0.02%). This missense change has been observed in individuals with dystonia (PMID: 21847143, 22377579, 26087139). It has also been observed to segregate with disease in related individuals. ClinVar contains an entry for this variant (Variation ID: 444751). An algorithm developed to predict the effect of missense changes on protein structure and function (PolyPhen-2) suggests that this variant is likely to be tolerated. Studies have shown that this missense change does not significantly alter or has an unclear effect on THAP1 gene expression (PMID: 21847143). In summary, the currently available evidence indicates that the variant is pathogenic, but additional data are needed to prove that conclusively. Therefore, this variant has been classified as Likely Pathogenic.

Blueprint Genetics
Classification: Uncertain significance. Last evaluated: 2024-08-23. Review status: criteria provided, single submitter. Criteria: ACMG Guidelines, 2015. Collection method: clinical testing. Allele origin: germline.

CeGaT Center for Human Genetics Tuebingen
Classification: Uncertain significance. Last evaluated: 2017-06-01. Review status: criteria provided, single submitter. Criteria: CeGaT Center For Human Genetics Tuebingen Variant Classification Criteria Version 2. Collection method: clinical testing. Allele origin: germline. Affected: yes. Observed: 1 variant allele.

Illumina Laboratory Services, Illumina
Classification: Uncertain significance for Torsion dystonia 6. Last evaluated: 2017-04-27. Review status: criteria provided, single submitter. Criteria: ICSL Variant Classification Criteria 13 December 2019. Collection method: clinical testing. Allele origin: germline.
Comment: This variant was observed as part of a predisposition screen in an ostensibly healthy population. A literature search was performed for the gene, cDNA change, and amino acid change (where applicable). Publications were found based on this search. However, the evidence from the literature, in combination with allele frequency data from public databases where available, was not sufficient to rule this variant in or out of causing disease. Therefore, this variant is classified as a variant of unknown significance.

Literature cited by the submitters: PubMed 21847143 (cited by Labcorp Genetics (formerly Invitae), Labcorp and Illumina Laboratory Services, Illumina); PubMed 22377579 (cited by Labcorp Genetics (formerly Invitae), Labcorp and Illumina Laboratory Services, Illumina); PubMed 26087139 (cited by Labcorp Genetics (formerly Invitae), Labcorp and Illumina Laboratory Services, Illumina).

NM_018105.3(THAP1):c.238A>G (p.Ile80Val)

Gene: THAP1 (THAP domain containing 1; minus strand). Cytogenetic location: 8p11.21.
Variant type: single nucleotide variant.
Coding change: c.238A>G on transcript NM_018105.3 (MANE Select); coding-DNA position 238, A replaced by G.
Protein change: p.Ile80Val; replaces isoleucine 80 with valine.
Molecular consequence: missense variant. On other transcripts: intron variant (1).
Genome position (GRCh38, 1-based): chr8:42,839,215, T>C on the plus strand (A>G on the coding strand, the complement: THAP1 is on the minus strand). VCF-style: chr8-42839215-T-C. GRCh37 (hg19) VCF-style: chr8-42694358-T-C.
Other names: c.72-879A>G (NM_199003.2); short protein forms I80V.
Identifiers: ClinVar variation 444751 (VCV000444751.51), dbSNP rs372080941, ClinGen allele CA4734585.